The following is an entry in ClinVar:

NM_153816.6(SNX14):c.867+9dup

Gene: SNX14 (sorting nexin 14; minus strand). Cytogenetic location: 6q14.3.
Variant type: Duplication.
Coding change: c.867+9dup on transcript NM_153816.6 (MANE Select); 9 bases into the intron after coding-DNA position 867, one base duplicated (T; older notation c.867+9dupT).
Molecular consequence: intron variant.
Genome position (GRCh38, 1-based): chr6:85,548,292, A duplicated on the plus strand (T on the coding strand, the reverse complement: SNX14 is on the minus strand); the first of 2 consecutive A bases (chr6:85,548,292-85,548,293); duplicating either gives the same sequence. VCF-style (leftmost placement, unchanged base first): chr6-85548291-T-TA. GRCh37 (hg19) VCF-style: chr6-86258009-T-TA.
Other names: p.?; c.-184+9dup (NM_001350547.2); c.567+9dup (NM_001350544.2); c.-285+9dup (NM_001350553.2, NM_001350549.2, NM_001350548.2 and 2 more transcripts); c.711+9dup (NM_001304479.2); c.732+9dup (NM_001350537.2); c.864+9dup (NM_001350534.2, NM_001350535.2, NM_001350533.2); c.735+9dup (NM_020468.6, NM_001350536.2); and 8 more.
Identifiers: ClinVar variation 4683213 (VCV004683213.1).
Genomic context (GRCh38, chr6:85,548,291, plus strand): 5'-AATGTTTAAGATACTAAATGTTATATTAAGTGTAATTTGTAACAATTTAAAAAAAAATCT[T>TA]AAGTCTTACTGGATCAGCTAGGAAATCCAAAGAAGGAAGGAACACAGAGCCAGACAGAAT-3'

ClinVar aggregate classification (germline): Likely benign (1 of 4 stars; one submission).

Submission:

Mayo Clinic Laboratories, Mayo Clinic
Classification: Likely benign. Last evaluated: 2025-07-21. Review status: criteria provided, single submitter. Criteria: ACMG Guidelines, 2015. Collection method: clinical testing. Allele origin: germline. Observed: 1 variant allele.
Comment: BP4, BP7